The following is an entry in ClinVar:

NM_001319074.4(RAX2):c.210C>T (p.Arg70=)

Gene: RAX2 (retina and anterior neural fold homeobox 2; minus strand). Cytogenetic location: 19p13.3.
Variant type: single nucleotide variant.
Coding change: c.210C>T on transcript NM_001319074.4 (MANE Select); coding-DNA position 210, C replaced by T.
Protein change: p.Arg70=; no amino-acid change (arginine 70 retained).
Molecular consequence: synonymous variant.
Genome position (GRCh38, 1-based): chr19:3,771,533, G>A on the plus strand (C>T on the coding strand, the complement: RAX2 is on the minus strand). VCF-style: chr19-3771533-G-A. GRCh37 (hg19) VCF-style: chr19-3771531-G-A.
Other names: c.210C>T, p.Arg70= (NM_032753.4).
Identifiers: ClinVar variation 4753027 (VCV004753027.1).

ClinVar aggregate classification (germline): Uncertain significance (1 of 4 stars; one submission).

Submission:

Labcorp Genetics (formerly Invitae), Labcorp
Classification: Uncertain significance. Last evaluated: 2025-11-03. Review status: criteria provided, single submitter. Criteria: Invitae Variant Classification Sherloc (09022015). Collection method: clinical testing. Allele origin: germline.
Comment: This sequence change affects codon 70 of the RAX2 mRNA. It is a 'silent' change, meaning that it does not change the encoded amino acid sequence of the RAX2 protein. The frequency data for this variant in the population databases is considered unreliable, as metrics indicate poor data quality at this position in the gnomAD database. This variant has not been reported in the literature in individuals affected with RAX2-related conditions. Algorithms developed to predict the effect of sequence changes on RNA splicing suggest that this variant may create or strengthen a splice site. In summary, the available evidence is currently insufficient to determine the role of this variant in disease. Therefore, it has been classified as a Variant of Uncertain Significance.